The following is an entry in ClinVar:

NM_000245.4(MET):c.229G>A (p.Asp77Asn)

Gene: MET (MET proto-oncogene, receptor tyrosine kinase; plus strand). Cytogenetic location: 7q31.2.
Variant type: single nucleotide variant.
Coding change: c.229G>A on transcript NM_000245.4 (MANE Select); coding-DNA position 229, G replaced by A.
Protein change: p.Asp77Asn; replaces aspartic acid 77 with asparagine.
Molecular consequence: missense variant. On other transcripts: intron variant (1).
Genome position (GRCh38, 1-based): chr7:116,699,313, G>A. VCF-style: chr7-116699313-G-A. GRCh37 (hg19) VCF-style: chr7-116339367-G-A.
Other names: c.229G>A, p.Asp77Asn (NM_001127500.3, NM_001324401.3); c.-91+26736G>A (NM_001324402.2); c.229G>A (NM_001127500.1); short protein forms D77N.
Identifiers: ClinVar variation 1447271 (VCV001447271.8), dbSNP rs372320153, ClinGen allele CA164888028.

ClinVar aggregate classification (germline): Conflicting classifications of pathogenicity. Review status: criteria provided, conflicting classifications (1 of 4 stars). 3 submissions from 3 submitters: Uncertain significance (2); Likely benign (1). Last evaluated 2024-02-15.

Conditions:
Hereditary cancer-predisposing syndrome. Also called: Hereditary Cancer Syndrome; Hereditary neoplastic syndrome; Neoplastic Syndromes, Hereditary; Tumor predisposition. Identifiers: Orphanet 140162, MedGen C0027672, MeSH D009386, MONDO:0015356.
Renal cell carcinoma. Identifiers: Orphanet 217071, MedGen C0007134, MeSH D002292, MONDO:0005086, HP:0005584.
Autosomal recessive nonsyndromic hearing loss 97. Also called: Deafness, autosomal recessive 97. Identifiers: Orphanet 90636, MedGen C4084709, MONDO:0014739, OMIM 616705.

Allele frequency attached by ClinVar (database versions not stated): TOPMed 0.00001; ESP Exome Variant Server 0.00008.

Submissions (3):

Ambry Genetics
Classification: Likely benign for Hereditary cancer-predisposing syndrome. Last evaluated: 2024-02-15. Review status: criteria provided, single submitter. Criteria: Ambry Variant Classification Scheme 2023. Collection method: clinical testing. Allele origin: germline.

Baylor Genetics
Classification: Uncertain significance for Autosomal recessive nonsyndromic hearing loss 97. Last evaluated: 2023-08-15. Review status: criteria provided, single submitter. Criteria: ACMG Guidelines, 2015. Collection method: clinical testing. Allele origin: unknown.

Labcorp Genetics (formerly Invitae), Labcorp
Classification: Uncertain significance for Renal cell carcinoma. Last evaluated: 2021-04-09. Review status: criteria provided, single submitter. Criteria: Invitae Variant Classification Sherloc (09022015). Collection method: clinical testing. Allele origin: germline.
Comment: Algorithms developed to predict the effect of missense changes on protein structure and function are either unavailable or do not agree on the potential impact of this missense change (SIFT: "Tolerated"; PolyPhen-2: "Possibly Damaging"; Align-GVGD: "Class C0"). This variant has not been reported in the literature in individuals with MET-related conditions. This variant is not present in population databases (ExAC no frequency). This sequence change replaces aspartic acid with asparagine at codon 77 of the MET protein (p.Asp77Asn). The aspartic acid residue is moderately conserved and there is a small physicochemical difference between aspartic acid and asparagine. In summary, the available evidence is currently insufficient to determine the role of this variant in disease. Therefore, it has been classified as a Variant of Uncertain Significance.